The following is an entry in ClinVar:

ClinVar aggregate classification (germline): Uncertain significance. Review status: criteria provided, multiple submitters, no conflicts (2 of 4 stars). 2 submissions from 2 submitters: Uncertain significance (2). Last evaluated 2024-07-15.

Conditions:
Rienhoff syndrome. Also called: LOEYS-DIETZ SYNDROME 5. Identifiers: MedGen C3810012, MONDO:0014262, OMIM 615582.

gnomAD v4.1: 1 of 1,614,196 alleles (0.000062%); highest among the groups gnomAD compares: Non-Finnish European, 0.000085%; no homozygotes.

Submissions (2):

Labcorp Genetics (formerly Invitae), Labcorp
Classification: Uncertain significance for Rienhoff syndrome. Last evaluated: 2024-07-15. Review status: criteria provided, single submitter. Criteria: Invitae Variant Classification Sherloc (09022015). Collection method: clinical testing. Allele origin: germline.
Comment: This sequence change replaces serine, which is neutral and polar, with threonine, which is neutral and polar, at codon 49 of the TGFB3 protein (p.Ser49Thr). This variant is not present in population databases (gnomAD no frequency). This variant has not been reported in the literature in individuals affected with TGFB3-related conditions. ClinVar contains an entry for this variant (Variation ID: 1677982). Advanced modeling of protein sequence and biophysical properties (such as structural, functional, and spatial information, amino acid conservation, physicochemical variation, residue mobility, and thermodynamic stability) performed at Invitae indicates that this missense variant is not expected to disrupt TGFB3 protein function with a negative predictive value of 80%. In summary, the available evidence is currently insufficient to determine the role of this variant in disease. Therefore, it has been classified as a Variant of Uncertain Significance.

AiLife Diagnostics
Classification: Uncertain significance. Last evaluated: 2022-02-25. Review status: criteria provided, single submitter. Criteria: ACMG Guidelines, 2015. Collection method: clinical testing. Allele origin: germline. Affected: yes. Observed: 1 variant allele.

NM_003239.5(TGFB3):c.146G>C (p.Ser49Thr)

Gene: TGFB3 (transforming growth factor beta 3; minus strand). Cytogenetic location: 14q24.3.
Variant type: single nucleotide variant.
Coding change: c.146G>C on transcript NM_003239.5 (MANE Select); coding-DNA position 146, G replaced by C.
Protein change: p.Ser49Thr; replaces serine 49 with threonine.
Molecular consequence: missense variant.
Genome position (GRCh38, 1-based): chr14:75,980,748, C>G on the plus strand (G>C on the coding strand, the complement: TGFB3 is on the minus strand). VCF-style: chr14-75980748-C-G. GRCh37 (hg19) VCF-style: chr14-76447091-C-G.
Other names: c.146G>C, p.Ser49Thr (NM_001329938.2, NM_001329939.2); short protein forms S49T.
Identifiers: ClinVar variation 1677982 (VCV001677982.4), dbSNP rs2140254503, ClinGen allele CA390471555.